The following is an entry in ClinVar:

ClinVar aggregate classification (germline): Uncertain significance (1 of 4 stars; one submission).

Submission:

Labcorp Genetics (formerly Invitae), Labcorp
Classification: Uncertain significance. Last evaluated: 2025-10-11. Review status: criteria provided, single submitter. Criteria: Invitae Variant Classification Sherloc (09022015). Collection method: clinical testing. Allele origin: germline.
Comment: This sequence change replaces alanine, which is neutral and non-polar, with serine, which is neutral and polar, at codon 243 of the CDK13 protein (p.Ala243Ser). This variant is not present in population databases (gnomAD no frequency). This variant has not been reported in the literature in individuals affected with CDK13-related conditions. Invitae Evidence Modeling of protein sequence and biophysical properties (such as structural, functional, and spatial information, amino acid conservation, physicochemical variation, residue mobility, and thermodynamic stability) indicates that this missense variant is not expected to disrupt CDK13 protein function with a negative predictive value of 95%. In summary, the available evidence is currently insufficient to determine the role of this variant in disease. Therefore, it has been classified as a Variant of Uncertain Significance.

NM_003718.5(CDK13):c.727G>T (p.Ala243Ser)

Gene: CDK13 (cyclin dependent kinase 13; plus strand). Cytogenetic location: 7p14.1.
Variant type: single nucleotide variant.
Coding change: c.727G>T on transcript NM_003718.5 (MANE Select); coding-DNA position 727, G replaced by T.
Protein change: p.Ala243Ser; replaces alanine 243 with serine.
Molecular consequence: missense variant.
Genome position (GRCh38, 1-based): chr7:39,951,368, G>T. VCF-style: chr7-39951368-G-T. GRCh37 (hg19) VCF-style: chr7-39990967-G-T.
Other names: c.727G>T, p.Ala243Ser (NM_031267.4); short protein forms A243S.
Identifiers: ClinVar variation 4810556 (VCV004810556.1).